The following is an entry in ClinVar:

ClinVar aggregate classification (germline): Uncertain significance (1 of 4 stars; one submission).

Conditions:
Hereditary cancer-predisposing syndrome. Also called: Neoplastic Syndromes, Hereditary; Tumor predisposition; Hereditary Cancer Syndrome; Hereditary neoplastic syndrome. Identifiers: Orphanet 140162, MedGen C0027672, MeSH D009386, MONDO:0015356.

Submission:

Ambry Genetics
Classification: Uncertain significance for Hereditary cancer-predisposing syndrome. Last evaluated: 2025-09-17. Review status: criteria provided, single submitter. Criteria: Ambry Variant Classification Scheme 2023. Collection method: clinical testing. Allele origin: germline.
Comment: The p.G266D variant (also known as c.797G>A), located in coding exon 5 of the FLCN gene, results from a G to A substitution at nucleotide position 797. The glycine at codon 266 is replaced by aspartic acid, an amino acid with similar properties. This amino acid position is conserved. In addition, this alteration is predicted to be deleterious by in silico analysis. Based on the available evidence, the clinical significance of this variant remains unclear.

NM_144997.7(FLCN):c.797G>A (p.Gly266Asp)

Gene: FLCN (folliculin; minus strand). Cytogenetic location: 17p11.2.
Variant type: single nucleotide variant.
Coding change: c.797G>A on transcript NM_144997.7 (MANE Select); coding-DNA position 797, G replaced by A.
Protein change: p.Gly266Asp; replaces glycine 266 with aspartic acid.
Molecular consequence: missense variant.
Genome position (GRCh38, 1-based): chr17:17,221,611, C>T on the plus strand (G>A on the coding strand, the complement: FLCN is on the minus strand). VCF-style: chr17-17221611-C-T. GRCh37 (hg19) VCF-style: chr17-17124925-C-T.
Other names: c.851G>A, p.Gly284Asp (NM_001353229.2); c.797G>A, p.Gly266Asp (NM_001353230.2, NM_001353231.2, NM_144606.7); short protein forms G266D, G284D.
Identifiers: ClinVar variation 4642875 (VCV004642875.1).
Genomic context (GRCh38, chr17:17,221,611, plus strand): 5'-ATCTGGACCAAGGTATCCTCGGTCGGAGCACCTTCCAGGAGCTTCTCGGTCAGCCGGCTG[C>T]CACACGCCTTCAGGAGCCTGGAGAACACAGCACCAGCTATGAGCGTTCTCGCCAAAGGAA-3'
Protein context (NP_659434.2, residues 256-276): TSFAWLLKAC[Gly266Asp]SRLTEKLLEG